The following is an entry in ClinVar:

ClinVar aggregate classification (germline): Likely benign. Review status: criteria provided, multiple submitters, no conflicts (2 of 4 stars). 2 submissions from 2 submitters: Likely benign (2). Last evaluated 2025-12-04.

Conditions:
Schuurs-Hoeijmakers syndrome. Also called: PACS1-Related Neurodevelopmental Disorder. Identifiers: Orphanet 329224, MedGen C3554343, MONDO:0014006, OMIM 615009.
PACS1-related disorder. Also called: PACS1-related condition.

Allele frequency attached by ClinVar (database versions not stated): gnomAD exomes 0.00001; TOPMed 0.00001.
gnomAD v4.1: 6 of 1,588,396 alleles (0.00038%); highest among the groups gnomAD compares: East Asian, 0.0091%; no homozygotes.

Submissions (2):

PreventionGenetics, part of Exact Sciences
Classification: Likely benign for PACS1-related condition. Last evaluated: 2025-12-04. Review status: criteria provided, single submitter. Criteria: ACMG Guidelines, 2015. Collection method: clinical testing. Allele origin: germline.
Comment: This variant is classified as likely benign based on ACMG/AMP sequence variant interpretation guidelines (Richards et al. 2015 PMID: 25741868, with internal and published modifications).

Labcorp Genetics (formerly Invitae), Labcorp
Classification: Likely benign for Schuurs-Hoeijmakers syndrome. Last evaluated: 2024-01-16. Review status: criteria provided, single submitter. Criteria: Invitae Variant Classification Sherloc (09022015). Collection method: clinical testing. Allele origin: germline.

NM_018026.4(PACS1):c.2259G>A (p.Lys753=)

Gene: PACS1 (phosphofurin acidic cluster sorting protein 1; plus strand). Cytogenetic location: 11q13.2.
Variant type: single nucleotide variant.
Coding change: c.2259G>A on transcript NM_018026.4 (MANE Select); coding-DNA position 2259, G replaced by A.
Protein change: p.Lys753=; no amino-acid change (lysine 753 retained).
Molecular consequence: synonymous variant.
Genome position (GRCh38, 1-based): chr11:66,238,812, G>A. VCF-style: chr11-66238812-G-A. GRCh37 (hg19) VCF-style: chr11-66006283-G-A.
Other names: c.2259G>A (NM_018026.3).
Identifiers: ClinVar variation 2892799 (VCV002892799.4), dbSNP rs1297222133, ClinGen allele CA475311489.
Genomic context (GRCh38, chr11:66,238,812, plus strand): 5'-ACATGCCTGCTTTAACAGGAGGATCTAATGAGTGCCTCTTCTCTCCTTGCAGGTGGTGAA[G>A]GTGGGTCTGGTTGAAGACTCTCCCTCCACAGCAGGTGAGGCTGGGGCTCCCTTGTTCTGT-3'
Protein context (NP_060496.2, residues 743-763): QKFIPFIGVV[Lys753=]VGLVEDSPST